The following is an entry in ClinVar:

ClinVar aggregate classification (germline): Uncertain significance (1 of 4 stars; one submission).

Conditions:
Charcot-Marie-Tooth disease dominant intermediate B (CMTDIB). Also called: Charcot-Marie-Tooth disease dominant intermediate 1; CMT DI1; Charcot-Marie-Tooth disease dominant intermediate I; CHARCOT-MARIE-TOOTH NEUROPATHY, DOMINANT INTERMEDIATE B. Identifiers: Orphanet 100044, Orphanet 228179, MedGen C1847902, MONDO:0011674, OMIM 606482.

Submission:

Labcorp Genetics (formerly Invitae), Labcorp
Classification: Uncertain significance for Charcot-Marie-Tooth disease dominant intermediate B. Last evaluated: 2025-11-16. Review status: criteria provided, single submitter. Criteria: Invitae Variant Classification Sherloc (09022015). Collection method: clinical testing. Allele origin: germline.
Comment: This sequence change replaces arginine, which is basic and polar, with lysine, which is basic and polar, at codon 510 of the DNM2 protein (p.Arg510Lys). This variant is not present in population databases (gnomAD no frequency). This variant has not been reported in the literature in individuals affected with DNM2-related conditions. Invitae Evidence Modeling of protein sequence and biophysical properties (such as structural, functional, and spatial information, amino acid conservation, physicochemical variation, residue mobility, and thermodynamic stability) indicates that this missense variant is not expected to disrupt DNM2 protein function with a negative predictive value of 95%. In summary, the available evidence is currently insufficient to determine the role of this variant in disease. Therefore, it has been classified as a Variant of Uncertain Significance.

NM_001005361.3(DNM2):c.1529G>A (p.Arg510Lys)

Gene: DNM2 (dynamin 2; plus strand). Cytogenetic location: 19p13.2.
Variant type: single nucleotide variant.
Coding change: c.1529G>A on transcript NM_001005361.3 (MANE Select); coding-DNA position 1529, G replaced by A.
Protein change: p.Arg510Lys; replaces arginine 510 with lysine.
Molecular consequence: missense variant.
Genome position (GRCh38, 1-based): chr19:10,805,951, G>A. VCF-style: chr19-10805951-G-A. GRCh37 (hg19) VCF-style: chr19-10916627-G-A.
Other names: c.1529G>A, p.Arg510Lys (NM_001005360.3, NM_001005362.3, NM_001190716.2 and 1 more transcripts); short protein forms R510K.
Identifiers: ClinVar variation 4709768 (VCV004709768.1).